The following is an entry in ClinVar:

ClinVar aggregate classification (germline): Uncertain significance. Review status: criteria provided, multiple submitters, no conflicts (2 of 4 stars). 6 submissions from 6 submitters: Uncertain significance (5). 1 of the submissions does not count toward it. Last evaluated 2026-10-01.

Conditions:
Hereditary cancer-predisposing syndrome. Also called: Hereditary Cancer Syndrome; Neoplastic Syndromes, Hereditary; Hereditary neoplastic syndrome; Tumor predisposition. Identifiers: Orphanet 140162, MedGen C0027672, MeSH D009386, MONDO:0015356.
Bloom syndrome (BLM). Also called: Bloom-Torre-Machacek syndrome. Identifiers: Orphanet 125, MedGen C0005859, MONDO:0008876, OMIM 210900.

Allele frequency attached by ClinVar (database versions not stated): ExAC 0.00001; gnomAD exomes 0.00002 and 0.00003; gnomAD 0.00006; ESP Exome Variant Server 0.00008; TOPMed 0.00014.
gnomAD v4.1: 44 of 1,609,322 alleles (0.0027%); highest among the groups gnomAD compares: African/African-American, 0.057%; no homozygotes.

Submissions (6):

St. Jude Molecular Pathology, St. Jude Children's Research Hospital
Classification: Uncertain significance for Bloom syndrome. Last evaluated: 2026-10-01. Review status: criteria provided, single submitter. Criteria: St. Jude Assertion Criteria 2020. Collection method: clinical testing. Allele origin: germline.
Comment: The BLM c.800-3T>G intronic change results in a T to G substitution at the -3 position of intron 3 of the BLM gene. Algorithms that predict the impact of sequence changes on splicing indicate that this change may impact splicing , but to our knowledge these predictions have not been confirmed by RNA studies. This variant has a maximum subpopulation frequency of 0.04% in gnomAD v2.1.1. To our knowledge, this variant has not been reported in ind ividuals with Bloom syndrome. In summary, the evidence currently available is insufficient to determine the clinical significance of this variant. It has therefore been classified as of uncertain significance.

GeneDx
Classification: Uncertain significance. Last evaluated: 2025-08-04. Review status: criteria provided, single submitter. Criteria: GeneDx Variant Classification Process June 2021. Collection method: clinical testing. Allele origin: germline.
Comment: In silico analysis supports a deleterious effect on splicing; Has not been previously published as pathogenic or benign to our knowledge

Ambry Genetics
Classification: Uncertain significance for Hereditary cancer-predisposing syndrome. Last evaluated: 2024-07-04. Review status: criteria provided, single submitter. Criteria: Ambry Variant Classification Scheme 2023. Collection method: clinical testing. Allele origin: germline.
Comment: The c.800-3T>G intronic variant results from a T to G substitution 3 nucleotides upstream from coding exon 3 in the BLM gene. This nucleotide position is well conserved in available vertebrate species. In silico splice site analysis predicts that this alteration will weaken the native splice acceptor site and will result in the creation or strengthening of a novel splice acceptor site; however, direct evidence is insufficient at this time (Ambry internal data). Based on the available evidence, the clinical significance of this variant remains unclear.

Labcorp Genetics (formerly Invitae), Labcorp
Classification: Uncertain significance for Bloom syndrome. Last evaluated: 2024-01-10. Review status: criteria provided, single submitter. Criteria: Invitae Variant Classification Sherloc (09022015). Collection method: clinical testing. Allele origin: germline.
Comment: This sequence change falls in intron 3 of the BLM gene. It does not directly change the encoded amino acid sequence of the BLM protein. RNA analysis indicates that this variant induces altered splicing and likely results in the gain of 13 amino acid residue(s), but is expected to preserve the integrity of the reading-frame. This variant is present in population databases (rs377266736, gnomAD 0.05%). This variant has not been reported in the literature in individuals affected with BLM-related conditions. ClinVar contains an entry for this variant (Variation ID: 524794). Variants that disrupt the consensus splice site are a relatively common cause of aberrant splicing (PMID: 17576681, 9536098). Studies have shown that this variant results in the activation of a cryptic splice site in intron 3 (Invitae). In summary, the available evidence is currently insufficient to determine the role of this variant in disease. Therefore, it has been classified as a Variant of Uncertain Significance.

Quest Diagnostics Nichols Institute San Juan Capistrano
Classification: Uncertain significance. Last evaluated: 2023-10-30. Review status: criteria provided, single submitter. Criteria: Quest Diagnostics criteria. Collection method: clinical testing. Allele origin: unknown.
Comment: The BLM c.800-3T>G variant has not been reported in individuals with BLM-related conditions in the published literature. The frequency of this variant in the general population, 0.0004 (10/24952 chromosomes (Genome Aggregation Database)), is uninformative in the assessment of its pathogenicity. Analysis of this variant using software algorithms for the prediction of the effect of nucleotide changes on splicing yielded predictions that this variant may affect proper BLM mRNA splicing. Based on the available information, we are unable to determine the clinical significance of this variant.

Natera, Inc.
Classification: Uncertain significance for Bloom syndrome. Last evaluated: 2018-01-18. Review status: no assertion criteria provided. Collection method: clinical testing. Allele origin: germline. Not counted in ClinVar's aggregate classification.

Literature cited by the submitters: PubMed 17576681 (cited by Labcorp Genetics (formerly Invitae), Labcorp); PubMed 9536098 (cited by Labcorp Genetics (formerly Invitae), Labcorp).

NM_000057.4(BLM):c.800-3T>G

Gene: BLM (BLM RecQ like helicase; plus strand). Cytogenetic location: 15q26.1.
Variant type: single nucleotide variant.
Coding change: c.800-3T>G on transcript NM_000057.4 (MANE Select); 3 bases into the intron before coding-DNA position 800, T replaced by G.
Molecular consequence: intron variant.
Genome position (GRCh38, 1-based): chr15:90,751,784, T>G. VCF-style: chr15-90751784-T-G. GRCh37 (hg19) VCF-style: chr15-91295014-T-G.
Other names: c.800-3T>G (NM_001287246.2, NM_001287247.2); c.-492-3T>G (NM_001287248.2).
Identifiers: ClinVar variation 524794 (VCV000524794.20), dbSNP rs377266736, ClinGen allele CA7738366.